The following is an entry in ClinVar:

NM_001378156.1(C1QB):c.401G>A (p.Arg134Gln)

Gene: C1QB (complement C1q B chain; plus strand). Cytogenetic location: 1p36.12.
Variant type: single nucleotide variant.
Coding change: c.401G>A on transcript NM_001378156.1 (MANE Select); coding-DNA position 401, G replaced by A.
Protein change: p.Arg134Gln; replaces arginine 134 with glutamine.
Molecular consequence: missense variant.
Genome position (GRCh38, 1-based): chr1:22,661,031, G>A. VCF-style: chr1-22661031-G-A. GRCh37 (hg19) VCF-style: chr1-22987524-G-A.
Other names: c.407G>A, p.Arg136Gln (NM_000491.5); c.401G>A, p.Arg134Gln (NM_001371184.3); c.407G>A (NM_000491.3); short protein forms R134Q, R136Q.
Identifiers: ClinVar variation 1430245 (VCV001430245.6), dbSNP rs199696043, ClinGen allele CA678157.

ClinVar aggregate classification (germline): Uncertain significance. Review status: criteria provided, multiple submitters, no conflicts (2 of 4 stars). 2 submissions from 2 submitters: Uncertain significance (2). Last evaluated 2023-01-17.

Conditions:
Inborn genetic diseases. Identifiers: MedGen C0950123, MeSH D030342.

Allele frequency attached by ClinVar (database versions not stated): ExAC 0.00002; gnomAD exomes 0.00005 and 0.00014; 1000 Genomes Project 30x 0.00016; 1000 Genomes Project 0.00020.
gnomAD v4.1: 213 of 1,613,882 alleles (0.013%); highest among the groups gnomAD compares: Non-Finnish European, 0.017%; no homozygotes.

Submissions (2):

Ambry Genetics
Classification: Uncertain significance for Inborn genetic diseases. Last evaluated: 2023-01-17. Review status: criteria provided, single submitter. Criteria: Ambry Variant Classification Scheme 2023. Collection method: clinical testing. Allele origin: germline.

Labcorp Genetics (formerly Invitae), Labcorp
Classification: Uncertain significance. Last evaluated: 2022-01-28. Review status: criteria provided, single submitter. Criteria: Invitae Variant Classification Sherloc (09022015). Collection method: clinical testing. Allele origin: germline.
Comment: This sequence change replaces arginine, which is basic and polar, with glutamine, which is neutral and polar, at codon 136 of the C1QB protein (p.Arg136Gln). This variant is present in population databases (rs199696043, gnomAD 0.009%). This variant has not been reported in the literature in individuals affected with C1QB-related conditions. Algorithms developed to predict the effect of missense changes on protein structure and function output the following: SIFT: "Tolerated"; PolyPhen-2: "Benign"; Align-GVGD: "Class C0". The glutamine amino acid residue is found in multiple mammalian species, which suggests that this missense change does not adversely affect protein function. Algorithms developed to predict the effect of sequence changes on RNA splicing suggest that this variant may create or strengthen a splice site. In summary, the available evidence is currently insufficient to determine the role of this variant in disease. Therefore, it has been classified as a Variant of Uncertain Significance.